The following is an entry in ClinVar:

NM_005027.4(PIK3R2):c.553C>G (p.Leu185Val)

Genes: PIK3R2 (phosphoinositide-3-kinase regulatory subunit 2; plus strand), LOC130063979 (ATAC-STARR-seq lymphoblastoid silent region 10375; plus strand). Cytogenetic location: 19p13.11.
Variant type: single nucleotide variant.
Coding change: c.553C>G on transcript NM_005027.4 (MANE Select); coding-DNA position 553, C replaced by G.
Protein change: p.Leu185Val; replaces leucine 185 with valine.
Molecular consequence: missense variant. On other transcripts: non-coding transcript variant (2).
Genome position (GRCh38, 1-based): chr19:18,161,140, C>G. VCF-style: chr19-18161140-C-G. GRCh37 (hg19) VCF-style: chr19-18271950-C-G.
Other names: short protein forms L185V.
Identifiers: ClinVar variation 1405289 (VCV001405289.8), dbSNP rs1016301486, ClinGen allele CA306169964.

ClinVar aggregate classification (germline): Uncertain significance. Review status: criteria provided, multiple submitters, no conflicts (2 of 4 stars). 2 submissions from 2 submitters: Uncertain significance (2). Last evaluated 2021-11-30.

Conditions:
Megalencephaly-polymicrogyria-polydactyly-hydrocephalus syndrome 1 (MPPH1). Also called: MEGALENCEPHALY, MEGA CORPUS CALLOSUM, AND COMPLETE LACK OF MOTOR DEVELOPMENT; MEGALENCEPHALY, POLYMICROGYRIA, MEGA CORPUS CALLOSUM SYNDROME. Identifiers: Orphanet 83473, MedGen C4012727, MONDO:0011313, OMIM 603387.
Megalencephaly-polymicrogyria-postaxial polydactyly-hydrocephalus syndrome. Also called: MPPH Syndrome; MEG-PMG-MEGACC SYNDROME. Identifiers: Orphanet 83473, MedGen C1863924, MONDO:0019375.

Allele frequency attached by ClinVar (database versions not stated): TOPMed below 0.00001; gnomAD exomes 0.00001.
gnomAD v4.1: 3 of 1,555,878 alleles (0.00019%); highest among the groups gnomAD compares: Admixed American, 0.0058%; no homozygotes.

Submissions (2):

Revvity Omics, Revvity
Classification: Uncertain significance for Megalencephaly-polymicrogyria-polydactyly-hydrocephalus syndrome 1. Last evaluated: 2021-11-30. Review status: criteria provided, single submitter. Criteria: ACMG Guidelines, 2015. Collection method: clinical testing. Allele origin: germline.

Labcorp Genetics (formerly Invitae), Labcorp
Classification: Uncertain significance for Megalencephaly-polymicrogyria-postaxial polydactyly-hydrocephalus syndrome. Last evaluated: 2021-09-21. Review status: criteria provided, single submitter. Criteria: Invitae Variant Classification Sherloc (09022015). Collection method: clinical testing. Allele origin: germline.
Comment: This sequence change replaces leucine with valine at codon 185 of the PIK3R2 protein (p.Leu185Val). The leucine residue is weakly conserved and there is a small physicochemical difference between leucine and valine. The frequency data for this variant in the population databases is considered unreliable, as metrics indicate insufficient coverage at this position in the ExAC database. This variant has not been reported in the literature in individuals affected with PIK3R2-related conditions. Advanced modeling of protein sequence and biophysical properties (such as structural, functional, and spatial information, amino acid conservation, physicochemical variation, residue mobility, and thermodynamic stability) performed at Invitae indicates that this missense variant is not expected to disrupt PIK3R2 protein function. In summary, the available evidence is currently insufficient to determine the role of this variant in disease. Therefore, it has been classified as a Variant of Uncertain Significance.